The following is an entry in ClinVar:

ClinVar aggregate classification (germline): Uncertain significance (1 of 4 stars; one submission).

Submission:

GeneDx
Classification: Uncertain significance. Last evaluated: 2024-06-27. Review status: criteria provided, single submitter. Criteria: GeneDx Variant Classification Process June 2021. Collection method: clinical testing. Allele origin: germline. Affected: yes.
Comment: Not observed at significant frequency in large population cohorts (gnomAD); In silico analysis supports that this missense variant has a deleterious effect on protein structure/function; Has not been previously published as pathogenic or benign to our knowledge

NM_003011.4(SET):c.119A>G (p.Asn40Ser)

Gene: SET (SET nuclear proto-oncogene; plus strand). Cytogenetic location: 9q34.11.
Variant type: single nucleotide variant.
Coding change: c.119A>G on transcript NM_003011.4 (MANE Select); coding-DNA position 119, A replaced by G.
Protein change: p.Asn40Ser; replaces asparagine 40 with serine.
Molecular consequence: missense variant.
Genome position (GRCh38, 1-based): chr9:128,691,215, A>G. VCF-style: chr9-128691215-A-G. GRCh37 (hg19) VCF-style: chr9-131453494-A-G.
Other names: c.158A>G, p.Asn53Ser (NM_001122821.2, NM_001374326.1); c.92A>G, p.Asn31Ser (NM_001248000.2); c.86A>G, p.Asn29Ser (NM_001248001.2); short protein forms N29S, N31S, N40S, N53S.
Identifiers: ClinVar variation 3392958 (VCV003392958.1).
Genomic context (GRCh38, chr9:128,691,215, plus strand): 5'-GCTCCTTTTTTGCAGAAAAAGAACAGCAAGAAGCGATTGAACACATTGATGAAGTACAAA[A>G]TGAAATAGACAGGTAACATTTTTCTTAATATACTTCGGAGAAATTTTCTGAGATGTGTCT-3'
Protein context (NP_003002.2, residues 30-50): EAIEHIDEVQ[Asn40Ser]EIDRLNEQAS